The following is an entry in ClinVar:

ClinVar aggregate classification (germline): Uncertain significance. Review status: criteria provided, multiple submitters, no conflicts (2 of 4 stars). 2 submissions from 2 submitters: Uncertain significance (2). Last evaluated 2025-08-21.

Conditions:
Inborn genetic diseases. Identifiers: MedGen C0950123, MeSH D030342.

Allele frequency attached by ClinVar (database versions not stated): gnomAD 0.00001; TOPMed 0.00001.
gnomAD v4.1: 1 of 1,613,484 alleles (0.000062%); highest among the groups gnomAD compares: Non-Finnish European, 0.000085%; no homozygotes.

Submissions (2):

Ambry Genetics
Classification: Uncertain significance for Inborn genetic diseases. Last evaluated: 2025-08-21. Review status: criteria provided, single submitter. Criteria: Ambry Variant Classification Scheme 2023. Collection method: clinical testing. Allele origin: germline.

Labcorp Genetics (formerly Invitae), Labcorp
Classification: Uncertain significance. Last evaluated: 2025-01-06. Review status: criteria provided, single submitter. Criteria: Invitae Variant Classification Sherloc (09022015). Collection method: clinical testing. Allele origin: germline.
Comment: This sequence change replaces glutamine with glutamic acid at codon 185 of the ATAD1 protein (p.Gln185Glu). The glutamine residue is highly conserved and there is a small physicochemical difference between glutamine and glutamic acid. This variant is not present in population databases (gnomAD no frequency). This variant has not been reported in the literature in individuals affected with ATAD1-related conditions. ClinVar contains an entry for this variant (Variation ID: 1350673). An algorithm developed to predict the effect of missense changes on protein structure and function (PolyPhen-2) suggests that this variant is likely to be tolerated. In summary, the available evidence is currently insufficient to determine the role of this variant in disease. Therefore, it has been classified as a Variant of Uncertain Significance.

NM_001321967.2(ATAD1):c.553C>G (p.Gln185Glu)

Gene: ATAD1 (ATPase family AAA domain containing 1; minus strand). Cytogenetic location: 10q23.31.
Variant type: single nucleotide variant.
Coding change: c.553C>G on transcript NM_001321967.2 (MANE Select); coding-DNA position 553, C replaced by G.
Protein change: p.Gln185Glu; replaces glutamine 185 with glutamic acid.
Molecular consequence: missense variant. On other transcripts: non-coding transcript variant (1).
Genome position (GRCh38, 1-based): chr10:87,784,500, G>C on the plus strand (C>G on the coding strand, the complement: ATAD1 is on the minus strand). VCF-style: chr10-87784500-G-C. GRCh37 (hg19) VCF-style: chr10-89544257-G-C.
Other names: c.553C>G, p.Gln185Glu (NM_001321968.2, NM_032810.4); c.196C>G, p.Gln66Glu (NM_001321969.2); c.553C>G (NM_032810.2); short protein forms Q185E, Q66E.
Identifiers: ClinVar variation 1350673 (VCV001350673.9), dbSNP rs1251856058, ClinGen allele CA377491087.